The following is an entry in ClinVar:

NM_003047.5(SLC9A1):c.1392T>G (p.Ser464=)

Genes: SLC9A1 (solute carrier family 9 member A1; minus strand), LOC126805673 (MED14-independent group 3 enhancer GRCh37_chr1:27431568-27432767; plus strand). Cytogenetic location: 1p36.11.
Variant type: single nucleotide variant.
Coding change: c.1392T>G on transcript NM_003047.5 (MANE Select); coding-DNA position 1392, T replaced by G.
Protein change: p.Ser464=; no amino-acid change (serine 464 retained).
Molecular consequence: synonymous variant. On other transcripts: non-coding transcript variant (1).
Genome position (GRCh38, 1-based): chr1:27,105,978, A>C on the plus strand (T>G on the coding strand, the complement: SLC9A1 is on the minus strand). VCF-style: chr1-27105978-A-C. GRCh37 (hg19) VCF-style: chr1-27432469-A-C.
Identifiers: ClinVar variation 4992956 (VCV004992956.1).

ClinVar aggregate classification (germline): Likely benign (1 of 4 stars; one submission).

Conditions:
SLC9A1-related disorder. Also called: SLC9A1-related condition.

gnomAD v4.1: 226 of 1,613,590 alleles (0.014%); highest among the groups gnomAD compares: Non-Finnish European, 0.018%; no homozygotes.

Submission:

PreventionGenetics, part of Exact Sciences
Classification: Likely benign for SLC9A1-related condition. Last evaluated: 2024-10-27. Review status: criteria provided, single submitter. Criteria: ACMG Guidelines, 2015. Collection method: clinical testing. Allele origin: germline.
Comment: This variant is classified as likely benign based on ACMG/AMP sequence variant interpretation guidelines (Richards et al. 2015 PMID: 25741868, with internal and published modifications).